The following is an entry in ClinVar:

NM_001376.5(DYNC1H1):c.13373-19C>G

Gene: DYNC1H1 (dynein cytoplasmic 1 heavy chain 1; plus strand). Cytogenetic location: 14q32.31.
Variant type: single nucleotide variant.
Coding change: c.13373-19C>G on transcript NM_001376.5 (MANE Select); 19 bases into the intron before coding-DNA position 13373, C replaced by G.
Molecular consequence: intron variant.
Genome position (GRCh38, 1-based): chr14:102,049,421, C>G. VCF-style: chr14-102049421-C-G. GRCh37 (hg19) VCF-style: chr14-102515758-C-G.
Identifiers: ClinVar variation 511756 (VCV000511756.6), dbSNP rs371960630, ClinGen allele CA7354235.
Genomic context (GRCh38, chr14:102,049,421, plus strand): 5'-AGCACTTGCACATTTGTTCCATCTGTGCTGGGGGAGTTGTGAGAGCTGACACCCTGGGCT[C>G]TGTGTGCCTTGGCTGCAGGGATCTTGCCTCGGAGCTGGTCCCACTACACGGTGCCTGCCG-3'

ClinVar aggregate classification (germline): Likely benign. Review status: criteria provided, multiple submitters, no conflicts (2 of 4 stars). 2 submissions from 2 submitters: Likely benign (2). Last evaluated 2025-11-28.

Conditions:
Charcot-Marie-Tooth disease axonal type 2O. Also called: CHARCOT-MARIE-TOOTH NEUROPATHY, AXONAL, TYPE 2O; CHARCOT-MARIE-TOOTH DISEASE, AXONAL, AUTOSOMAL DOMINANT, TYPE 2O; Charcot-Marie-Tooth Neuropathy Type 2O; Charcot-Marie-Tooth disease, axonal, type 20. Identifiers: Orphanet 284232, MedGen C3280220, MONDO:0013644, OMIM 614228.

Allele frequency attached by ClinVar (database versions not stated): gnomAD exomes 0.00001 and 0.00002; ExAC 0.00003; ESP Exome Variant Server 0.00008; TOPMed 0.00011; gnomAD 0.00013 and 0.00015.
gnomAD v4.1: 44 of 1,613,656 alleles (0.0027%); highest among the groups gnomAD compares: African/African-American, 0.028%; no homozygotes.

Submissions (2):

Labcorp Genetics (formerly Invitae), Labcorp
Classification: Likely benign for Charcot-Marie-Tooth disease axonal type 2O. Last evaluated: 2025-11-28. Review status: criteria provided, single submitter. Criteria: Invitae Variant Classification Sherloc (09022015). Collection method: clinical testing. Allele origin: germline.

GeneDx
Classification: Likely benign. Last evaluated: 2017-09-18. Review status: criteria provided, single submitter. Criteria: GeneDx Variant Classification (06012015). Collection method: clinical testing. Allele origin: germline. Affected: yes.
Comment: This variant is considered likely benign or benign based on one or more of the following criteria: it is a conservative change, it occurs at a poorly conserved position in the protein, it is predicted to be benign by multiple in silico algorithms, and/or has population frequency not consistent with disease.